The following is an entry in ClinVar:

ClinVar aggregate classification (germline): Uncertain significance. Review status: criteria provided, multiple submitters, no conflicts (2 of 4 stars). 2 submissions from 2 submitters: Uncertain significance (2). Last evaluated 2023-08-04.

Conditions:
Primary immunodeficiency with post-measles-mumps-rubella vaccine viral infection. Also called: Immunodeficiency 44. Identifiers: Orphanet 431166, MedGen C4225260, MONDO:0014715, OMIM 616636.
Inborn genetic diseases. Identifiers: MedGen C0950123, MeSH D030342.

Allele frequency attached by ClinVar (database versions not stated): gnomAD exomes below 0.00001; TOPMed 0.00001.
gnomAD v4.1: 6 of 1,613,888 alleles (0.00037%); highest among the groups gnomAD compares: Non-Finnish European, 0.00051%; no homozygotes.

Submissions (2):

Labcorp Genetics (formerly Invitae), Labcorp
Classification: Uncertain significance for Primary immunodeficiency with post-measles-mumps-rubella vaccine viral infection. Last evaluated: 2023-08-04. Review status: criteria provided, single submitter. Criteria: Invitae Variant Classification Sherloc (09022015). Collection method: clinical testing. Allele origin: germline.
Comment: In summary, the available evidence is currently insufficient to determine the role of this variant in disease. Therefore, it has been classified as a Variant of Uncertain Significance. Algorithms developed to predict the effect of missense changes on protein structure and function output the following: SIFT: "Not Available"; PolyPhen-2: "Possibly Damaging"; Align-GVGD: "Not Available". The glutamine amino acid residue is found in multiple mammalian species, which suggests that this missense change does not adversely affect protein function. ClinVar contains an entry for this variant (Variation ID: 2323316). This variant has not been reported in the literature in individuals affected with STAT2-related conditions. This variant is present in population databases (rs755099508, gnomAD 0.0009%). This sequence change replaces arginine, which is basic and polar, with glutamine, which is neutral and polar, at codon 510 of the STAT2 protein (p.Arg510Gln).

Ambry Genetics
Classification: Uncertain significance for Inborn genetic diseases. Last evaluated: 2022-11-07. Review status: criteria provided, single submitter. Criteria: Ambry Variant Classification Scheme 2023. Collection method: clinical testing. Allele origin: germline.

NM_005419.4(STAT2):c.1529G>A (p.Arg510Gln)

Gene: STAT2 (signal transducer and activator of transcription 2; minus strand). Cytogenetic location: 12q13.3.
Variant type: single nucleotide variant.
Coding change: c.1529G>A on transcript NM_005419.4 (MANE Select); coding-DNA position 1529, G replaced by A.
Protein change: p.Arg510Gln; replaces arginine 510 with glutamine.
Molecular consequence: missense variant.
Genome position (GRCh38, 1-based): chr12:56,348,971, C>T on the plus strand (G>A on the coding strand, the complement: STAT2 is on the minus strand). VCF-style: chr12-56348971-C-T. GRCh37 (hg19) VCF-style: chr12-56742755-C-T.
Other names: c.1496G>A, p.Arg499Gln (NM_001385110.1); c.1430G>A, p.Arg477Gln (NM_001385111.1); c.1529G>A, p.Arg510Gln (NM_001385113.1); c.1508G>A, p.Arg503Gln (NM_001385114.1); c.1487G>A, p.Arg496Gln (NM_001385115.1); c.1517G>A, p.Arg506Gln (NM_198332.2); short protein forms R477Q, R496Q, R503Q, R506Q, R510Q, R499Q.
Identifiers: ClinVar variation 2323316 (VCV002323316.5), dbSNP rs755099508, ClinGen allele CA237650626.